The following is an entry in ClinVar:

ClinVar aggregate classification (germline): Pathogenic (1 of 4 stars; one submission).

Conditions:
Neurofibromatosis, type 1 (NF1). Also called: VON RECKLINGHAUSEN DISEASE; Peripheral type neurofibromatosis; NEUROFIBROMATOSIS, TYPE I, SOMATIC; Neurofibromatosis, type I. Identifiers: Orphanet 636, MedGen C0027831, MONDO:0018975, OMIM 162200. Disease mechanism: loss of function.

Submission:

Labcorp Genetics (formerly Invitae), Labcorp
Classification: Pathogenic for Neurofibromatosis, type 1. Last evaluated: 2025-10-07. Review status: criteria provided, single submitter. Criteria: Invitae Variant Classification Sherloc (09022015). Collection method: clinical testing. Allele origin: germline.
Comment: This sequence change creates a premature translational stop signal (p.Tyr2681Thrfs*37) in the NF1 gene. It is expected to result in an absent or disrupted protein product. Loss-of-function variants in NF1 are known to be pathogenic (PMID: 10712197, 23913538). This variant is not present in population databases (gnomAD no frequency). This premature translational stop signal has been observed in individual(s) with neurofibromatosis type 1 (PMID: 12807981). This variant is also known as 8040delT. For these reasons, this variant has been classified as Pathogenic.

Literature cited by the submitters: PubMed 10712197; PubMed 23913538; PubMed 12807981.

NM_001042492.3(NF1):c.8104del (p.Tyr2702fs)

Gene: NF1 (neurofibromin 1; plus strand). Cytogenetic location: 17q11.2.
Variant type: Deletion.
Coding change: c.8104del on transcript NM_001042492.3 (MANE Select); coding-DNA position 8104, one base deleted (T; older notation c.8104delT).
Protein change: p.Tyr2702fs; shifts the reading frame from tyrosine 2702.
Molecular consequence: frameshift variant.
Genome position (GRCh38, 1-based): chr17:31,358,613, T deleted; the last of 2 consecutive T bases (chr17:31,358,612-31,358,613); deleting either gives the same sequence. VCF-style (leftmost placement, unchanged base first): chr17-31358611-CT-C. GRCh37 (hg19) VCF-style: chr17-29685629-CT-C.
Other names: c.8041del, p.Tyr2681fs (NM_000267.4); short protein forms Y2681fs, Y2702fs.
Identifiers: ClinVar variation 4710370 (VCV004710370.1).